The following is an entry in ClinVar:

ClinVar aggregate classification (germline): Uncertain significance. Review status: criteria provided, multiple submitters, no conflicts (2 of 4 stars). 2 submissions from 2 submitters: Uncertain significance (2). Last evaluated 2025-03-01.

Conditions:
Asphyxiating thoracic dystrophy 5 (SRTD5). Also called: SHORT-RIB THORACIC DYSPLASIA 5 WITH OR WITHOUT POLYDACTYLY; SHORT-RIB THORACIC DYSPLASIA 5 WITHOUT POLYDACTYLY. Identifiers: Orphanet 474, MedGen C3280598, MONDO:0013717, OMIM 614376.
Senior-Loken syndrome 8 (SLSN8). Identifiers: Orphanet 3156, MedGen C4225376, MONDO:0014579, OMIM 616307.

gnomAD v4.1: 4 of 1,564,850 alleles (0.00026%); highest among the groups gnomAD compares: Non-Finnish European, 0.00035%; no homozygotes.

Submissions (2):

Labcorp Genetics (formerly Invitae), Labcorp
Classification: Uncertain significance for Senior-Loken syndrome 8; Asphyxiating thoracic dystrophy 5. Last evaluated: 2025-03-01. Review status: criteria provided, single submitter. Criteria: Invitae Variant Classification Sherloc (09022015). Collection method: clinical testing. Allele origin: germline.
Comment: This sequence change replaces isoleucine, which is neutral and non-polar, with threonine, which is neutral and polar, at codon 502 of the WDR19 protein (p.Ile502Thr). This variant is not present in population databases (gnomAD no frequency). This variant has not been reported in the literature in individuals affected with WDR19-related conditions. Invitae Evidence Modeling of protein sequence and biophysical properties (such as structural, functional, and spatial information, amino acid conservation, physicochemical variation, residue mobility, and thermodynamic stability) indicates that this missense variant is not expected to disrupt WDR19 protein function with a negative predictive value of 80%. In summary, the available evidence is currently insufficient to determine the role of this variant in disease. Therefore, it has been classified as a Variant of Uncertain Significance.

Blueprint Genetics
Classification: Uncertain significance. Last evaluated: 2019-06-06. Review status: criteria provided, single submitter. Criteria: ACMG Guidelines, 2015. Collection method: clinical testing. Allele origin: germline.

NM_025132.4(WDR19):c.1505T>C (p.Ile502Thr)

Gene: WDR19 (WD repeat domain 19; plus strand). Cytogenetic location: 4p14.
Variant type: single nucleotide variant.
Coding change: c.1505T>C on transcript NM_025132.4 (MANE Select); coding-DNA position 1505, T replaced by C.
Protein change: p.Ile502Thr; replaces isoleucine 502 with threonine.
Molecular consequence: missense variant.
Genome position (GRCh38, 1-based): chr4:39,224,909, T>C. VCF-style: chr4-39224909-T-C. GRCh37 (hg19) VCF-style: chr4-39226529-T-C.
Other names: c.1025T>C, p.Ile342Thr (NM_001317924.2); short protein forms I342T, I502T.
Identifiers: ClinVar variation 4791565 (VCV004791565.2).
Genomic context (GRCh38, chr4:39,224,909, plus strand): 5'-TATATTTTCATGGCTGGATTTTTTTTTTTTTTTAGACTGGTGTCGTTCAGTATTTCTACA[T>C]TGAAGACTGGCAATTCGTTAATGATTATCGACATCCTGTCAGTGTGAAAAAGATTTTTCC-3'
Protein context (NP_079408.3, residues 492-512): TDTGVVQYFY[Ile502Thr]EDWQFVNDYR